The following is an entry in ClinVar:

NM_020297.4(ABCC9):c.2457A>G (p.Arg819=)

Gene: ABCC9 (ATP binding cassette subfamily C member 9; minus strand). Cytogenetic location: 12p12.1.
Variant type: single nucleotide variant.
Coding change: c.2457A>G on transcript NM_020297.4 (MANE Select); coding-DNA position 2457, A replaced by G.
Protein change: p.Arg819=; no amino-acid change (arginine 819 retained).
Molecular consequence: synonymous variant.
Genome position (GRCh38, 1-based): chr12:21,859,634, T>C on the plus strand (A>G on the coding strand, the complement: ABCC9 is on the minus strand). VCF-style: chr12-21859634-T-C. GRCh37 (hg19) VCF-style: chr12-22012568-T-C.
Other names: c.2457A>G, p.Arg819= (NM_001377273.1, NM_005691.4); c.1590A>G, p.Arg530= (NM_001377274.1).
Identifiers: ClinVar variation 389889 (VCV000389889.1), dbSNP rs1057523572, ClinGen allele CA16606569.
Genomic context (GRCh38, chr12:21,859,634, plus strand): 5'-CCATATTCTTACCAAAAAGACAATGTTGGTGTTTTGATACAGCGCTCGTGCCACACAGAT[T>C]CTCTGCCTCTGTCCCCCACTCAGGTTGATGCCCTAGAGAAGAGACACCCCCAAATACCCA-3'
Protein context (NP_064693.2, residues 809-829): GINLSGGQRQ[Arg819=]ICVARALYQN

ClinVar aggregate classification (germline): Likely benign (1 of 4 stars; one submission).

Submission:

GeneDx
Classification: Likely benign. Last evaluated: 2016-10-11. Review status: criteria provided, single submitter. Criteria: GeneDx Variant Classification (06012015). Collection method: clinical testing. Allele origin: germline. Affected: yes.
Comment: This variant is considered likely benign or benign based on one or more of the following criteria: it is a conservative change, it occurs at a poorly conserved position in the protein, it is predicted to be benign by multiple in silico algorithms, and/or has population frequency not consistent with disease.